The following is an entry in ClinVar:

NM_205850.3(SLC24A5):c.1025C>T (p.Ala342Val)

Genes: MYEF2 (myelin expression factor 2; minus strand), SLC24A5 (solute carrier family 24 member 5; plus strand). Cytogenetic location: 15q21.1.
Variant type: single nucleotide variant.
Coding change: c.1025C>T on transcript NM_205850.3 (MANE Select); coding-DNA position 1025, C replaced by T.
Protein change: p.Ala342Val; replaces alanine 342 with valine.
Molecular consequence: missense variant. On other transcripts: 3 prime UTR variant (2).
Genome position (GRCh38, 1-based): chr15:48,139,122, C>T. VCF-style: chr15-48139122-C-T. GRCh37 (hg19) VCF-style: chr15-48431319-C-T.
Other names: c.*3786G>A (NM_001301210.2, NM_016132.5); short protein forms A342V.
Identifiers: ClinVar variation 1336364 (VCV001336364.9), dbSNP rs199924625, ClinGen allele CA7546028.

ClinVar aggregate classification (germline): Conflicting classifications of pathogenicity. Review status: criteria provided, conflicting classifications (1 of 4 stars). 3 submissions from 3 submitters: Uncertain significance (1); Likely benign (2). Last evaluated 2026-08-18.

Conditions:
SLC24A5-related disorder. Also called: SLC24A5-related condition.

Allele frequency attached by ClinVar (database versions not stated): gnomAD exomes 0.00005 and 0.00018; gnomAD 0.00010 and 0.00012; TOPMed 0.00012; 1000 Genomes Project 30x 0.00016; ExAC 0.00018; 1000 Genomes Project 0.00020.
gnomAD v4.1: 89 of 1,612,906 alleles (0.0055%); highest among the groups gnomAD compares: East Asian, 0.16%; no homozygotes.

Submissions (3):

PreventionGenetics, part of Exact Sciences
Classification: Likely benign for SLC24A5-related condition. Last evaluated: 2026-08-18. Review status: criteria provided, single submitter. Criteria: ACMG Guidelines, 2015. Collection method: clinical testing. Allele origin: germline.
Comment: This variant is classified as likely benign based on ACMG/AMP sequence variant interpretation guidelines (Richards et al. 2015 PMID: 25741868, with internal and published modifications).

Labcorp Genetics (formerly Invitae), Labcorp
Classification: Likely benign. Last evaluated: 2024-04-03. Review status: criteria provided, single submitter. Criteria: Invitae Variant Classification Sherloc (09022015). Collection method: clinical testing. Allele origin: germline.

Genetic Services Laboratory, University of Chicago
Classification: Uncertain significance. Last evaluated: 2017-11-13. Review status: criteria provided, single submitter. Criteria: ACMG Guidelines, 2015. Collection method: clinical testing. Allele origin: germline. Affected: no.